The following is an entry in ClinVar:

ClinVar aggregate classification (germline): Uncertain significance (1 of 4 stars; one submission).

Submission:

GeneDx
Classification: Uncertain significance. Last evaluated: 2025-11-13. Review status: criteria provided, single submitter. Criteria: GeneDx Variant Classification Process June 2021. Collection method: clinical testing. Allele origin: germline.
Comment: Not observed at significant frequency in large population cohorts (gnomAD); In silico analysis supports a deleterious effect on protein structure/function; Has not been previously published as pathogenic or benign to our knowledge

NM_001005273.3(CHD3):c.5935_5936delinsAA (p.Ala1979Lys)

Gene: CHD3 (chromodomain helicase DNA binding protein 3; plus strand). Cytogenetic location: 17p13.1.
Variant type: Indel.
Coding change: c.5935_5936delinsAA on transcript NM_001005273.3 (MANE Select); coding-DNA positions 5935 to 5936, GC replaced by AA.
Protein change: p.Ala1979Lys; replaces alanine 1979 with lysine.
Molecular consequence: missense variant.
Genome position (GRCh38, 1-based): chr17:7,911,517-7,911,518, GC replaced by AA. VCF-style: chr17-7911517-GC-AA. GRCh37 (hg19) VCF-style: chr17-7814835-GC-AA.
Other names: c.6112_6113delinsAA, p.Ala2038Lys (NM_001005271.3); c.5833_5834delinsAA, p.Ala1945Lys (NM_005852.4); short protein forms A1945K, A1979K, A2038K.
Identifiers: ClinVar variation 2501826 (VCV002501826.2), dbSNP rs2545197283, ClinGen allele CA2580614001.